The following is an entry in ClinVar:

ClinVar aggregate classification (germline): Likely pathogenic (1 of 4 stars; one submission).

Conditions:
Spermatogenic failure 65 (SPGF65). Identifiers: MedGen C5562067, MONDO:0030531, OMIM 619712.

gnomAD v4.1: 22 of 1,603,544 alleles (0.0014%); highest among the groups gnomAD compares: East Asian, 0.043%; no homozygotes.

Submission:

Juno Genomics, Hangzhou Juno Genomics, Inc
Classification: Likely pathogenic for Spermatogenic failure 65. Review status: criteria provided, single submitter. Criteria: ACMG Guidelines, 2015. Collection method: clinical testing. Allele origin: germline.
Comment: Null variant in a gene where loss of function (LOF) is a known mechanism of disease.;Absent from controls (or at extremely low frequency if recessive) in Genome Aggregation Database.

NM_144666.3(DNHD1):c.13657C>T (p.Arg4553Ter)

Gene: DNHD1 (dynein heavy chain domain 1; plus strand). Cytogenetic location: 11p15.4.
Variant type: single nucleotide variant.
Coding change: c.13657C>T on transcript NM_144666.3 (MANE Select); coding-DNA position 13657, C replaced by T.
Protein change: p.Arg4553Ter; replaces arginine 4553 with a stop codon.
Molecular consequence: nonsense.
Genome position (GRCh38, 1-based): chr11:6,571,169, C>T. VCF-style: chr11-6571169-C-T. GRCh37 (hg19) VCF-style: chr11-6592399-C-T.
Other names: short protein forms R4553*.
Identifiers: ClinVar variation 5004951 (VCV005004951.2).